The following is an entry in ClinVar:

NM_015102.5(NPHP4):c.4106C>T (p.Pro1369Leu)

Gene: NPHP4 (nephrocystin 4; minus strand). Cytogenetic location: 1p36.31.
Variant type: single nucleotide variant.
Coding change: c.4106C>T on transcript NM_015102.5 (MANE Select); coding-DNA position 4106, C replaced by T.
Protein change: p.Pro1369Leu; replaces proline 1369 with leucine.
Molecular consequence: missense variant. On other transcripts: non-coding transcript variant (1).
Genome position (GRCh38, 1-based): chr1:5,863,924, G>A on the plus strand (C>T on the coding strand, the complement: NPHP4 is on the minus strand). VCF-style: chr1-5863924-G-A. GRCh37 (hg19) VCF-style: chr1-5923984-G-A.
Other names: p.Pro1369Leu; c.4106C>T (NM_015102.3); c.2567C>T, p.Pro856Leu (NM_001291593.2); c.2570C>T, p.Pro857Leu (NM_001291594.2); short protein forms P1369L, P856L, P857L.
Identifiers: ClinVar variation 500165 (VCV000500165.16), dbSNP rs746256511, ClinGen allele CA553353.

ClinVar aggregate classification (germline): Uncertain significance. Review status: criteria provided, multiple submitters, no conflicts (2 of 4 stars). 4 submissions from 4 submitters: Uncertain significance (4). Last evaluated 2025-12-04.

Conditions:
Inborn genetic diseases. Identifiers: MedGen C0950123, MeSH D030342.
Nephronophthisis. Also called: Juvenile Nephronophthisis. Identifiers: Orphanet 655, MedGen C0687120, MONDO:0019005, HP:0000090.

Allele frequency attached by ClinVar (database versions not stated): gnomAD exomes 0.00003; TOPMed 0.00001; ExAC 0.00003.
gnomAD v4.1: 22 of 1,613,750 alleles (0.0014%); highest among the groups gnomAD compares: South Asian, 0.012%; no homozygotes.

Submissions (4):

Mayo Clinic Laboratories, Mayo Clinic
Classification: Uncertain significance. Last evaluated: 2025-12-04. Review status: criteria provided, single submitter. Criteria: ACMG Guidelines, 2015. Collection method: clinical testing. Allele origin: germline. Observed: 1 variant allele.
Comment: PM2_supporting

Labcorp Genetics (formerly Invitae), Labcorp
Classification: Uncertain significance for Nephronophthisis. Last evaluated: 2024-10-23. Review status: criteria provided, single submitter. Criteria: Invitae Variant Classification Sherloc (09022015). Collection method: clinical testing. Allele origin: germline.
Comment: This sequence change replaces proline, which is neutral and non-polar, with leucine, which is neutral and non-polar, at codon 1369 of the NPHP4 protein (p.Pro1369Leu). This variant is present in population databases (rs746256511, gnomAD 0.02%). This variant has not been reported in the literature in individuals affected with NPHP4-related conditions. ClinVar contains an entry for this variant (Variation ID: 500165). Invitae Evidence Modeling of protein sequence and biophysical properties (such as structural, functional, and spatial information, amino acid conservation, physicochemical variation, residue mobility, and thermodynamic stability) indicates that this missense variant is expected to disrupt NPHP4 protein function with a positive predictive value of 80%. In summary, the available evidence is currently insufficient to determine the role of this variant in disease. Therefore, it has been classified as a Variant of Uncertain Significance.

Ambry Genetics
Classification: Uncertain significance for Inborn genetic diseases. Last evaluated: 2023-02-14. Review status: criteria provided, single submitter. Criteria: Ambry Variant Classification Scheme 2023. Collection method: clinical testing. Allele origin: germline.

Eurofins Ntd Llc (ga)
Classification: Uncertain significance. Last evaluated: 2018-06-19. Review status: criteria provided, single submitter. Criteria: EGL ClinVar v180209 classification definitions. Collection method: clinical testing. Allele origin: germline. Observed: 2 variant alleles, 2 heterozygotes.